The following is an entry in ClinVar:

NM_001378615.1(CC2D2A):c.354A>G (p.Ala118=)

Genes: CC2D2A (coiled-coil and C2 domain containing 2A; plus strand), FBXL5 (F-box and leucine rich repeat protein 5; minus strand). Cytogenetic location: 4p15.32.
Variant type: single nucleotide variant.
Coding change: c.354A>G on transcript NM_001378615.1 (MANE Select); coding-DNA position 354, A replaced by G.
Protein change: p.Ala118=; no amino-acid change (alanine 118 retained).
Molecular consequence: synonymous variant.
Genome position (GRCh38, 1-based): chr4:15,502,839, A>G. VCF-style: chr4-15502839-A-G. GRCh37 (hg19) VCF-style: chr4-15504462-A-G.
Other names: c.354A>G, p.Ala118= (NM_001080522.2); c.207A>G, p.Ala69= (NM_001378617.1).
Identifiers: ClinVar variation 2942984 (VCV002942984.4), dbSNP rs1247636826, ClinGen allele CA438380093.

ClinVar aggregate classification (germline): Likely benign. Review status: criteria provided, single submitter (1 of 4 stars). 2 submissions from 2 submitters: Likely benign (1). 1 of the submissions does not count toward it. Last evaluated 2024-04-03.

Conditions:
Joubert syndrome. Also called: JOUBERT-BOLTSHAUSER SYNDROME; Familial aplasia of the vermis. Identifiers: Orphanet 475, MedGen C5979921, MONDO:0018772.
Meckel-Gruber syndrome. Also called: DYSENCEPHALIA SPLANCHNOCYSTICA; GRUBER SYNDROME; Dysencephalia splachnocystica. Identifiers: Orphanet 564, MedGen C0265215, MONDO:0018921.
CC2D2A-related disorder. Also called: CC2D2A-related condition; CC2D2A-related disorders. Identifiers: MedGen CN239313.

Allele frequency attached by ClinVar (database versions not stated): gnomAD 0.00001.
gnomAD v4.1: 3 of 1,610,804 alleles (0.00019%); highest among the groups gnomAD compares: Admixed American, 0.0017%; no homozygotes.

Submissions (2):

Labcorp Genetics (formerly Invitae), Labcorp
Classification: Likely benign for Joubert syndrome; Meckel-Gruber syndrome. Last evaluated: 2024-04-03. Review status: criteria provided, single submitter. Criteria: Invitae Variant Classification Sherloc (09022015). Collection method: clinical testing. Allele origin: germline.

PreventionGenetics, part of Exact Sciences
Classification: Likely benign for CC2D2A-related condition. Last evaluated: 2024-07-23. Review status: no assertion criteria provided. Collection method: clinical testing. Allele origin: germline. Not counted in ClinVar's aggregate classification.
Comment: This variant is classified as likely benign based on ACMG/AMP sequence variant interpretation guidelines (Richards et al. 2015 PMID: 25741868, with internal and published modifications).